The following is an entry in ClinVar:

NM_000218.3(KCNQ1):c.1809C>A (p.Asp603Glu)

Genes: KCNQ1 (potassium voltage-gated channel subfamily Q member 1; plus strand), KCNQ1-AS1 (KCNQ1 antisense RNA 1; minus strand). Cytogenetic location: 11p15.4.
Variant type: single nucleotide variant.
Coding change: c.1809C>A on transcript NM_000218.3 (MANE Select); coding-DNA position 1809, C replaced by A.
Protein change: p.Asp603Glu; replaces aspartic acid 603 with glutamic acid.
Molecular consequence: missense variant.
Genome position (GRCh38, 1-based): chr11:2,847,781, C>A. VCF-style: chr11-2847781-C-A. GRCh37 (hg19) VCF-style: chr11-2869011-C-A.
Other names: c.1713C>A, p.Asp571Glu (NM_001406836.1); c.1539C>A, p.Asp513Glu (NM_001406837.1); c.1269C>A, p.Asp423Glu (NM_001406838.1); c.321C>A, p.Asp107Glu (NM_001406839.1); c.1428C>A, p.Asp476Glu (NM_181798.2); short protein forms D476E, D603E, D423E, D571E, D513E, D107E.
Identifiers: ClinVar variation 840838 (VCV000840838.11), dbSNP rs916154167, ClinGen allele CA216345022.

ClinVar aggregate classification (germline): Uncertain significance (1 of 4 stars; one submission).

Conditions:
Long QT syndrome (LQTS). Identifiers: MedGen C0023976, MeSH D008133, MONDO:0002442. Disease mechanism: loss of function. Inheritance: Various modes of inheritance.

Allele frequency attached by ClinVar (database versions not stated): TOPMed below 0.00001.

Submission:

Labcorp Genetics (formerly Invitae), Labcorp
Classification: Uncertain significance for Long QT syndrome. Last evaluated: 2019-01-15. Review status: criteria provided, single submitter. Criteria: Invitae Variant Classification Sherloc (09022015). Collection method: clinical testing. Allele origin: germline.
Comment: This sequence change replaces aspartic acid with glutamic acid at codon 603 of the KCNQ1 protein (p.Asp603Glu). The aspartic acid residue is highly conserved and there is a small physicochemical difference between aspartic acid and glutamic acid. In summary, the available evidence is currently insufficient to determine the role of this variant in disease. Therefore, it has been classified as a Variant of Uncertain Significance. Algorithms developed to predict the effect of missense changes on protein structure and function are either unavailable or do not agree on the potential impact of this missense change (SIFT: "Deleterious"; PolyPhen-2: "Possibly Damaging"; Align-GVGD: "Class C0"). This variant has not been reported in the literature in individuals with KCNQ1-related conditions. This variant is not present in population databases (ExAC no frequency).